The following is an entry in ClinVar:

NM_000069.3(CACNA1S):c.884C>A (p.Thr295Asn)

Gene: CACNA1S (calcium voltage-gated channel subunit alpha1 S; minus strand). Cytogenetic location: 1q32.1.
Variant type: single nucleotide variant.
Coding change: c.884C>A on transcript NM_000069.3 (MANE Select); coding-DNA position 884, C replaced by A.
Protein change: p.Thr295Asn; replaces threonine 295 with asparagine.
Molecular consequence: missense variant.
Genome position (GRCh38, 1-based): chr1:201,089,274, G>T on the plus strand (C>A on the coding strand, the complement: CACNA1S is on the minus strand). VCF-style: chr1-201089274-G-T. GRCh37 (hg19) VCF-style: chr1-201058402-G-T.
Other names: short protein forms T295N.
Identifiers: ClinVar variation 1414610 (VCV001414610.8), dbSNP rs2102160120, ClinGen allele CA344134403.

ClinVar aggregate classification (germline): Uncertain significance (1 of 4 stars; one submission).

Conditions:
Hypokalemic periodic paralysis, type 1. Also called: Hypokalemic Periodic Paralysis Type 1 (AD); HypoPP. Identifiers: Orphanet 681, MedGen C3714580, MONDO:0042979, OMIM 170400.
Malignant hyperthermia, susceptibility to, 5 (MHS5). Also called: CACNA1S-Related Malignant Hyperthermia Susceptibility. Identifiers: Orphanet 423, MedGen C1866077, MONDO:0011163, OMIM 601887.

Submission:

Labcorp Genetics (formerly Invitae), Labcorp
Classification: Uncertain significance for Hypokalemic periodic paralysis, type 1; Malignant hyperthermia, susceptibility to, 5. Last evaluated: 2021-03-16. Review status: criteria provided, single submitter. Criteria: Invitae Variant Classification Sherloc (09022015). Collection method: clinical testing. Allele origin: germline.
Comment: In summary, the available evidence is currently insufficient to determine the role of this variant in disease. Therefore, it has been classified as a Variant of Uncertain Significance. Algorithms developed to predict the effect of missense changes on protein structure and function are either unavailable or do not agree on the potential impact of this missense change (SIFT: "Deleterious"; PolyPhen-2: "Possibly Damaging"; Align-GVGD: "Class C0"). This variant has not been reported in the literature in individuals with CACNA1S-related conditions. This variant is not present in population databases (ExAC no frequency). This sequence change replaces threonine with asparagine at codon 295 of the CACNA1S protein (p.Thr295Asn). The threonine residue is highly conserved and there is a small physicochemical difference between threonine and asparagine.